The following is an entry in ClinVar:

NM_000478.6(ALPL):c.678G>T (p.Met226Ile)

Gene: ALPL (alkaline phosphatase, biomineralization associated; plus strand). Cytogenetic location: 1p36.12.
Variant type: single nucleotide variant.
Coding change: c.678G>T on transcript NM_000478.6 (MANE Select); coding-DNA position 678, G replaced by T.
Protein change: p.Met226Ile; replaces methionine 226 with isoleucine.
Molecular consequence: missense variant.
Genome position (GRCh38, 1-based): chr1:21,568,133, G>T. VCF-style: chr1-21568133-G-T. GRCh37 (hg19) VCF-style: chr1-21894626-G-T.
Other names: c.678G>T, p.Met226Ile (NM_001369804.2, NM_001369805.2, NM_001369803.2); c.513G>T, p.Met171Ile (NM_001127501.4); c.447G>T, p.Met149Ile (NM_001177520.3); short protein forms M149I, M171I, M226I.
Identifiers: ClinVar variation 4086826 (VCV004086826.1).

ClinVar aggregate classification (germline): Likely pathogenic (1 of 4 stars; one submission).

Conditions:
Hypophosphatasia. Also called: Phosphoethanol-aminuria. Identifiers: Orphanet 436, MedGen C0020630, MeSH D007014, MONDO:0018570.

Submission:

Genomenon, Inc
Classification: Likely pathogenic for Hypophosphatasia. Last evaluated: 2025-08-29. Review status: criteria provided, single submitter. Criteria: Genomenon Sequence Variant Interpretation Standards. Collection method: curation. Allele origin: germline. Affected: yes.
Comment: ALPL c.678G>T is a missense variant that changes the amino acid at residue 226 from Methionine to Isoleucine. This variant has been observed in at least one proband affected with hypophosphatasia (PMID:30049651;31600233;31178256). It is absent or not present at a significant frequency in gnomAD. In silico models agree that this variant is possibly or probably damaging. In conclusion, we classify ALPL p.Met226Ile (c.678G>T) as a likely pathogenic variant.

Literature cited by the submitters: PubMed 30049651; PubMed 31600233; PubMed 31178256.